The following is an entry in ClinVar:

ClinVar aggregate classification (germline): Pathogenic (1 of 4 stars; one submission).

Conditions:
Mitochondrial DNA depletion syndrome, encephalomyopathic form with methylmalonic aciduria (MTDPS5). Also called: MITOCHONDRIAL DNA DEPLETION SYNDROME, ENCEPHALOMYOPATHIC FORM, WITH OR WITHOUT METHYLMALONIC ACIDURIA, AUTOSOMAL RECESSIVE, SUCLA2-RELATED; Mitochondrial DNA depletion syndrome 5 (encephalomyopathic with or without methylmalonic aciduria); SUCLA2-Related Mitochondrial DNA Depletion Syndrome, Encephalomyopathic Form with Methylmalonic Aciduria; Mitochondrial encephalomyopathy aminoacidopathy. Identifiers: Orphanet 1933, MedGen C5980207, MONDO:0012791, OMIM 612073.

Submission:

Labcorp Genetics (formerly Invitae), Labcorp
Classification: Pathogenic for Mitochondrial DNA depletion syndrome, encephalomyopathic form with methylmalonic aciduria. Last evaluated: 2022-03-14. Review status: criteria provided, single submitter. Criteria: Invitae Variant Classification Sherloc (09022015). Collection method: clinical testing. Allele origin: germline.
Comment: For these reasons, this variant has been classified as Pathogenic. This variant has not been reported in the literature in individuals affected with SUCLA2-related conditions. This variant is a gross deletion of the genomic region encompassing exon(s) 1-4 of the SUCLA2 gene, which includes the initiator codon. This deletion extends beyond the assayed region for this gene and therefore may encompass additional genes. It is expected to result in an absent or disrupted protein product. Loss-of-function variants in SUCLA2 are known to be pathogenic (PMID: 15877282, 17301081).

Literature cited by the submitters: PubMed 15877282; PubMed 17301081.

NC_000013.10:g.(?_48562656)_(48575405_?)del

Gene: SUCLA2 (succinate-CoA ligase ADP-forming subunit beta; minus strand). Cytogenetic location: 13q14.2.
Variant type: Deletion.
Identifiers: ClinVar variation 2424779 (VCV002424779.4).